The following is an entry in ClinVar:

ClinVar aggregate classification (germline): Uncertain significance (1 of 4 stars; one submission).

Conditions:
Long QT syndrome (LQTS). Identifiers: MedGen C0023976, MeSH D008133, MONDO:0002442. Disease mechanism: loss of function. Inheritance: Various modes of inheritance.

Allele frequency attached by ClinVar (database versions not stated): gnomAD exomes below 0.00001.
gnomAD v4.1: 5 of 1,606,858 alleles (0.00031%); highest among the groups gnomAD compares: Non-Finnish European, 0.00043%; no homozygotes.

Submission:

Labcorp Genetics (formerly Invitae), Labcorp
Classification: Uncertain significance for Long QT syndrome. Last evaluated: 2021-08-27. Review status: criteria provided, single submitter. Criteria: Invitae Variant Classification Sherloc (09022015). Collection method: clinical testing. Allele origin: germline.
Comment: This sequence change replaces alanine with glutamic acid at codon 2119 of the CACNA1C protein (p.Ala2119Glu). The alanine residue is weakly conserved and there is a moderate physicochemical difference between alanine and glutamic acid. This variant is not present in population databases (ExAC no frequency). This variant has not been reported in the literature in individuals affected with CACNA1C-related conditions. Algorithms developed to predict the effect of missense changes on protein structure and function (SIFT, PolyPhen-2, Align-GVGD) all suggest that this variant is likely to be tolerated. In summary, the available evidence is currently insufficient to determine the role of this variant in disease. Therefore, it has been classified as a Variant of Uncertain Significance.

NM_000719.7(CACNA1C):c.6356C>A (p.Ala2119Glu)

Genes: CACNA1C (calcium voltage-gated channel subunit alpha1 C; plus strand), CACNA1C-AS1 (CACNA1C antisense RNA 1; minus strand). Cytogenetic location: 12p13.33.
Variant type: single nucleotide variant.
Coding change: c.6356C>A on transcript NM_000719.7 (MANE Select); coding-DNA position 6356, C replaced by A.
Protein change: p.Ala2119Glu; replaces alanine 2119 with glutamic acid.
Molecular consequence: missense variant. On other transcripts: non-coding transcript variant (1).
Genome position (GRCh38, 1-based): chr12:2,691,138, C>A. VCF-style: chr12-2691138-C-A. GRCh37 (hg19) VCF-style: chr12-2800304-C-A.
Other names: c.6500C>A, p.Ala2167Glu (NM_001129827.2); c.6479C>A, p.Ala2160Glu (NM_001129829.2); c.6461C>A, p.Ala2154Glu (NM_001129830.3, NM_001167624.3); c.6440C>A, p.Ala2147Glu (NM_001129831.2); c.6416C>A, p.Ala2139Glu (NM_001129832.2); c.6413C>A, p.Ala2138Glu (NM_001129833.2, NM_001129834.2, NM_001129835.2); c.6407C>A, p.Ala2136Glu (NM_001129836.2); c.6380C>A, p.Ala2127Glu (NM_001129837.2, NM_001129838.2); and 6 more; short protein forms A2108E, A2116E, A2119E, A2125E, A2127E, A2136E, A2138E, A2139E.
Identifiers: ClinVar variation 1060586 (VCV001060586.6), dbSNP rs1174127261, ClinGen allele CA383387560.